The following is an entry in ClinVar:

NM_013275.6(ANKRD11):c.6688_6689del (p.Arg2230fs)

Gene: ANKRD11 (ankyrin repeat domain 11; minus strand). Cytogenetic location: 16q24.3.
Variant type: Microsatellite.
Coding change: c.6688_6689del on transcript NM_013275.6 (MANE Select); coding-DNA positions 6688 to 6689, 2 bases deleted (AG; older notation c.6688_6689delAG).
Protein change: p.Arg2230fs; shifts the reading frame from arginine 2230.
Molecular consequence: frameshift variant.
Genome position (GRCh38, 1-based): chr16:89,279,853-89,279,854, CT deleted on the plus strand (AG on the coding strand, the reverse complement: ANKRD11 is on the minus strand); deleting any 2 consecutive bases within chr16:89,279,853-89,279,858 gives the same sequence; the c. name uses the placement nearest the transcript's 3' end. VCF-style (leftmost placement, unchanged base first): chr16-89279852-CCT-C. GRCh37 (hg19) VCF-style: chr16-89346260-CCT-C.
Other names: c.6688_6689del, p.Arg2230fs (NM_001256182.2, NM_001256183.2); c.6688_6689del (NM_013275.5); short protein forms R2230fs.
Identifiers: ClinVar variation 817165 (VCV000817165.5), dbSNP rs1597436476, ClinGen allele CA915949409.

ClinVar aggregate classification (germline): Pathogenic/Likely pathogenic. Review status: criteria provided, multiple submitters, no conflicts (2 of 4 stars). 3 submissions from 3 submitters: Pathogenic (2); Likely pathogenic (1). Last evaluated 2026-08-14.

Conditions:
KBG syndrome (KBGS). Also called: ANKRD11-Related KBG Syndrome. Identifiers: Orphanet 2332, MedGen C0220687, MONDO:0007846, OMIM 148050.

Submissions (3):

GeneDx
Classification: Pathogenic. Last evaluated: 2026-08-14. Review status: criteria provided, single submitter. Criteria: GeneDx Variant Classification Process June 2021. Collection method: clinical testing. Allele origin: germline.
Comment: Frameshift variant predicted to result in protein truncation or nonsense mediated decay in a gene for which loss of function is a known mechanism of disease; Not observed at significant frequency in large population cohorts (gnomAD); This variant is associated with the following publications: (PMID: PaulER_2025_Article)

Labcorp Genetics (formerly Invitae), Labcorp
Classification: Pathogenic for KBG syndrome. Last evaluated: 2025-01-06. Review status: criteria provided, single submitter. Criteria: Invitae Variant Classification Sherloc (09022015). Collection method: clinical testing. Allele origin: germline.
Comment: This sequence change creates a premature translational stop signal (p.Arg2230Glyfs*29) in the ANKRD11 gene. It is expected to result in an absent or disrupted protein product. Loss-of-function variants in ANKRD11 are known to be pathogenic (PMID: 21782149, 25125236, 25413698, 25652421). This variant is not present in population databases (gnomAD no frequency). This variant has not been reported in the literature in individuals affected with ANKRD11-related conditions. For these reasons, this variant has been classified as Pathogenic.

Laboratorio de Genetica e Diagnostico Molecular, Hospital Israelita Albert Einstein
Classification: Likely pathogenic for KBG syndrome. Last evaluated: 2024-04-19. Review status: criteria provided, single submitter. Criteria: ACMG Guidelines, 2015. Collection method: clinical testing. Allele origin: germline. Affected: yes.
Comment: ACMG classification criteria: PVS1 very strong, PM2 supporting

Literature cited by the submitters: PubMed 21782149 (cited by Labcorp Genetics (formerly Invitae), Labcorp); PubMed 25125236 (cited by Labcorp Genetics (formerly Invitae), Labcorp); PubMed 25413698 (cited by Labcorp Genetics (formerly Invitae), Labcorp); PubMed 25652421 (cited by Labcorp Genetics (formerly Invitae), Labcorp).